The following is an entry in ClinVar:

ClinVar aggregate classification (germline): Pathogenic. Review status: criteria provided, multiple submitters, no conflicts (2 of 4 stars). 2 submissions from 2 submitters: Pathogenic (2). Last evaluated 2026-08-19.

Conditions:
Hereditary diffuse gastric adenocarcinoma (HDGC). Also called: DIFFUSE GASTRIC AND LOBULAR BREAST CANCER SYNDROME. Identifiers: Orphanet 26106, MedGen C1708349, MONDO:0007648, OMIM 137215.
Hereditary cancer-predisposing syndrome. Also called: Neoplastic Syndromes, Hereditary; Tumor predisposition; Hereditary Cancer Syndrome; Hereditary neoplastic syndrome. Identifiers: Orphanet 140162, MedGen C0027672, MeSH D009386, MONDO:0015356.

Allele frequency attached by ClinVar (database versions not stated): gnomAD exomes below 0.00001.

Submissions (2):

Ambry Genetics
Classification: Pathogenic for Hereditary cancer-predisposing syndrome. Last evaluated: 2026-08-19. Review status: criteria provided, single submitter. Criteria: Ambry Variant Classification Scheme 2023. Collection method: clinical testing. Allele origin: germline.
Comment: The c.1134dupG pathogenic mutation, located in coding exon 7 of the CTNNA1 gene, results from a duplication of G at nucleotide position 1134, causing a translational frameshift with a predicted alternate stop codon (p.R379Afs*2). This variant is considered to be rare based on population cohorts in the Genome Aggregation Database (gnomAD). This alteration is expected to result in loss of function by premature protein truncation or nonsense-mediated mRNA decay. As such, this alteration is interpreted as a disease-causing mutation.

Myriad Genetics, Inc.
Classification: Pathogenic for Hereditary diffuse gastric adenocarcinoma. Last evaluated: 2024-05-08. Review status: criteria provided, single submitter. Criteria: Myriad Autosomal Dominant, Autosomal Recessive and X-Linked Classification Criteria (2023). Collection method: clinical testing. Allele origin: unknown.
Comment: This variant is considered pathogenic. This variant creates a frameshift predicted to result in premature protein truncation.

NM_001903.5(CTNNA1):c.1134dup (p.Arg379fs)

Gene: CTNNA1 (catenin alpha 1; plus strand). Cytogenetic location: 5q31.2.
Variant type: Duplication.
Coding change: c.1134dup on transcript NM_001903.5 (MANE Select); coding-DNA position 1134, one base duplicated (G; older notation c.1134dupG).
Protein change: p.Arg379fs; shifts the reading frame from arginine 379.
Molecular consequence: frameshift variant. On other transcripts: 5 prime UTR variant (5), intron variant (2).
Genome position (GRCh38, 1-based): chr5:138,886,283, G duplicated. VCF-style (leftmost placement, unchanged base first): chr5-138886282-T-TG. GRCh37 (hg19) VCF-style: chr5-138221971-T-TG.
Other names: c.1134dup, p.Arg379fs (NM_001290307.3, NM_001323982.2, NM_001323983.1 and 3 more transcripts); c.825dup, p.Arg276fs (NM_001290309.3); c.765dup, p.Arg256fs (NM_001290310.3); c.24dup, p.Arg9fs (NM_001290312.1, NM_001323987.1, NM_001323988.1 and 18 more transcripts); c.-374dup (NM_001324006.1, NM_001324007.1, NM_001324008.1 and 1 more transcripts); c.-249dup (NM_001324013.1); c.-58+10686dup (NM_001324012.1); c.-61+10686dup (NM_001324010.1); and 1 more; short protein forms R256fs, R276fs, R379fs, R9fs.
Identifiers: ClinVar variation 3254385 (VCV003254385.2), dbSNP rs2532982253.